The following is an entry in ClinVar:

ClinVar aggregate classification (germline): Uncertain significance (1 of 4 stars; one submission).

Conditions:
Hereditary cancer-predisposing syndrome. Also called: Neoplastic Syndromes, Hereditary; Tumor predisposition; Hereditary neoplastic syndrome; Hereditary Cancer Syndrome. Identifiers: Orphanet 140162, MedGen C0027672, MeSH D009386, MONDO:0015356.

Allele frequency attached by ClinVar (database versions not stated): gnomAD exomes below 0.00001; gnomAD 0.00001.
gnomAD v4.1: 5 of 1,490,206 alleles (0.00034%); highest among the groups gnomAD compares: African/African-American, 0.0014%; no homozygotes.

Submission:

Ambry Genetics
Classification: Uncertain significance for Hereditary cancer-predisposing syndrome. Last evaluated: 2019-12-11. Review status: criteria provided, single submitter. Criteria: Ambry Variant Classification Scheme 2023. Collection method: clinical testing. Allele origin: germline.
Comment: The p.L16F variant (also known as c.48A>T), located in coding exon 2 of the MRE11A gene, results from an A to T substitution at nucleotide position 48. The leucine at codon 16 is replaced by phenylalanine, an amino acid with highly similar properties. This amino acid position is highly conserved in available vertebrate species. In addition, this alteration is predicted to be deleterious by in silico analysis. Since supporting evidence is limited at this time, the clinical significance of this alteration remains unclear.

NM_005591.4(MRE11):c.48A>T (p.Leu16Phe)

Gene: MRE11 (MRE11 double strand break repair nuclease; minus strand). Cytogenetic location: 11q21.
Variant type: single nucleotide variant.
Coding change: c.48A>T on transcript NM_005591.4 (MANE Select); coding-DNA position 48, A replaced by T.
Protein change: p.Leu16Phe; replaces leucine 16 with phenylalanine.
Molecular consequence: missense variant.
Genome position (GRCh38, 1-based): chr11:94,490,938, T>A on the plus strand (A>T on the coding strand, the complement: MRE11 is on the minus strand). VCF-style: chr11-94490938-T-A. GRCh37 (hg19) VCF-style: chr11-94224104-T-A.
Other names: c.48A>T, p.Leu16Phe (NM_001330347.2, NM_005590.4); short protein forms L16F.
Identifiers: ClinVar variation 825269 (VCV000825269.4), dbSNP rs1591726832, ClinGen allele CA382381045.